The following is an entry in ClinVar:

ClinVar aggregate classification (germline): Uncertain significance (1 of 4 stars; one submission).

Conditions:
Autosomal recessive limb-girdle muscular dystrophy type 2D (LGMDR3). Also called: DUCHENNE-LIKE AUTOSOMAL RECESSIVE MUSCULAR DYSTROPHY, TYPE 2; MUSCULAR DYSTROPHY, LIMB-GIRDLE, AUTOSOMAL RECESSIVE 3; ADHALINOPATHY, PRIMARY. Identifiers: Orphanet 62, MedGen C2936332, MONDO:0011968, OMIM 608099. Disease mechanism: Affects gamma-sarcoglycan and also disrupts the integrity of the entire sarcoglycan complex..

Submission:

Labcorp Genetics (formerly Invitae), Labcorp
Classification: Uncertain significance for Autosomal recessive limb-girdle muscular dystrophy type 2D. Last evaluated: 2025-04-11. Review status: criteria provided, single submitter. Criteria: Invitae Variant Classification Sherloc (09022015). Collection method: clinical testing. Allele origin: germline.
Comment: This sequence change replaces serine, which is neutral and polar, with arginine, which is basic and polar, at codon 218 of the SGCA protein (p.Ser218Arg). This variant is not present in population databases (gnomAD no frequency). This variant has not been reported in the literature in individuals affected with SGCA-related conditions. Invitae Evidence Modeling of protein sequence and biophysical properties (such as structural, functional, and spatial information, amino acid conservation, physicochemical variation, residue mobility, and thermodynamic stability) indicates that this missense variant is expected to disrupt SGCA protein function with a positive predictive value of 95%. In summary, the available evidence is currently insufficient to determine the role of this variant in disease. Therefore, it has been classified as a Variant of Uncertain Significance.

NM_000023.4(SGCA):c.654C>A (p.Ser218Arg)

Gene: SGCA (sarcoglycan alpha; plus strand). Cytogenetic location: 17q21.33.
Variant type: single nucleotide variant.
Coding change: c.654C>A on transcript NM_000023.4 (MANE Select); coding-DNA position 654, C replaced by A.
Protein change: p.Ser218Arg; replaces serine 218 with arginine.
Molecular consequence: missense variant. On other transcripts: non-coding transcript variant (1), intron variant (1).
Genome position (GRCh38, 1-based): chr17:50,169,161, C>A. VCF-style: chr17-50169161-C-A. GRCh37 (hg19) VCF-style: chr17-48246522-C-A.
Other names: c.584+589C>A (NM_001135697.3); short protein forms S218R.
Identifiers: ClinVar variation 4800876 (VCV004800876.1).